The following is an entry in ClinVar:

NM_000540.3(RYR1):c.9063G>A (p.Pro3021=)

Gene: RYR1 (ryanodine receptor 1; plus strand). Cytogenetic location: 19q13.2.
Variant type: single nucleotide variant.
Coding change: c.9063G>A on transcript NM_000540.3 (MANE Select); coding-DNA position 9063, G replaced by A.
Protein change: p.Pro3021=; no amino-acid change (proline 3021 retained).
Molecular consequence: synonymous variant.
Genome position (GRCh38, 1-based): chr19:38,510,722, G>A. VCF-style: chr19-38510722-G-A. GRCh37 (hg19) VCF-style: chr19-39001362-G-A.
Other names: c.9063G>A, p.Pro3021= (NM_001042723.2).
Identifiers: ClinVar variation 590625 (VCV000590625.18), dbSNP rs200068725, ClinGen allele CA073102.

ClinVar aggregate classification (germline): Conflicting classifications of pathogenicity. Review status: criteria provided, conflicting classifications (1 of 4 stars). 5 submissions from 5 submitters: Uncertain significance (4); Likely benign (1). Last evaluated 2026-06-12.

Conditions:
RYR1-related disorder. Also called: RYR1-related condition; RYR1-related disorders. Identifiers: MedGen CN239331.
Malignant hyperthermia, susceptibility to, 1 (MHS1). Also called: RYR1-Related Malignant Hyperthermia Susceptibility; Anesthesia related hyperthermia; Malignant hyperpyrexia; Fulminating hyperpyrexia; Pharmacogenic myopathy; Malignant hyperthermia suceptibility 1. Identifiers: Orphanet 423, MedGen C2930980, MONDO:0007783, OMIM 145600.

Allele frequency attached by ClinVar (database versions not stated): gnomAD 0.00008 and 0.00009; ExAC 0.00010; gnomAD exomes 0.00007; TOPMed 0.00007.
gnomAD v4.1: 108 of 1,613,850 alleles (0.0067%); highest among the groups gnomAD compares: Non-Finnish European, 0.0085%; no homozygotes.

Submissions (5):

GeneDx
Classification: Uncertain significance. Last evaluated: 2026-06-12. Review status: criteria provided, single submitter. Criteria: GeneDx Variant Classification Process June 2021. Collection method: clinical testing. Allele origin: germline.
Comment: Has not been previously published as pathogenic or benign to our knowledge; In silico analysis suggests this variant may impact gene splicing. In the absence of RNA/functional studies, the actual effect of this sequence change is unknown.

Labcorp Genetics (formerly Invitae), Labcorp
Classification: Likely benign for RYR1-related disorder. Last evaluated: 2026-02-01. Review status: criteria provided, single submitter. Criteria: Invitae Variant Classification Sherloc (09022015). Collection method: clinical testing. Allele origin: germline.

Color Diagnostics, LLC DBA Color Health
Classification: Uncertain significance for Malignant hyperthermia, susceptibility to, 1. Last evaluated: 2024-02-15. Review status: criteria provided, single submitter. Criteria: ACMG Guidelines, 2015. Collection method: clinical testing. Allele origin: germline.
Comment: This synonymous variant in the RYR1 gene is predicted to impact RNA splicing. To our knowledge, functional studies have not been reported for this variant. This variant has not been reported in individuals affected with RYR1-related disorders in the literature. This variant has been identified in 22/282864 chromosomes in the general population by the Genome Aggregation Database (gnomAD). The available evidence is insufficient to determine the role of this variant in disease conclusively. Therefore, this variant is classified as a Variant of Uncertain Significance.

Revvity Omics, Revvity
Classification: Uncertain significance. Last evaluated: 2019-08-23. Review status: criteria provided, single submitter. Criteria: ACMG Guidelines, 2015. Collection method: clinical testing. Allele origin: germline.

PreventionGenetics, part of Exact Sciences
Classification: Uncertain significance. Last evaluated: 2015-08-11. Review status: criteria provided, single submitter. Criteria: ACMG Guidelines, 2015. Collection method: clinical testing. Allele origin: germline.